The following is an entry in ClinVar:

ClinVar aggregate classification (germline): Uncertain significance. Review status: criteria provided, multiple submitters, no conflicts (2 of 4 stars). 2 submissions from 2 submitters: Uncertain significance (2). Last evaluated 2022-10-13.

Conditions:
Joubert syndrome. Also called: JOUBERT-BOLTSHAUSER SYNDROME; Familial aplasia of the vermis. Identifiers: Orphanet 475, MedGen C5979921, MONDO:0018772.
Rod-cone dystrophy. Identifiers: MedGen C4551714, HP:0000510.

gnomAD v4.1: 1 of 1,612,076 alleles (0.000062%); highest among the groups gnomAD compares: South Asian, 0.0011%; no homozygotes.

Submissions (2):

Labcorp Genetics (formerly Invitae), Labcorp
Classification: Uncertain significance for Joubert syndrome. Last evaluated: 2022-10-13. Review status: criteria provided, single submitter. Criteria: Invitae Variant Classification Sherloc (09022015). Collection method: clinical testing. Allele origin: germline.
Comment: This sequence change replaces valine, which is neutral and non-polar, with leucine, which is neutral and non-polar, at codon 303 of the INPP5E protein (p.Val303Leu). In summary, the available evidence is currently insufficient to determine the role of this variant in disease. Therefore, it has been classified as a Variant of Uncertain Significance. This variant disrupts the p.Val303 amino acid residue in INPP5E. Other variant(s) that disrupt this residue have been determined to be pathogenic (PMID: 23386033, 26092869). This suggests that this residue is clinically significant, and that variants that disrupt this residue are likely to be disease-causing. Advanced modeling of protein sequence and biophysical properties (such as structural, functional, and spatial information, amino acid conservation, physicochemical variation, residue mobility, and thermodynamic stability) performed at Invitae indicates that this missense variant is expected to disrupt INPP5E protein function. ClinVar contains an entry for this variant (Variation ID: 1065767). This missense change has been observed in individual(s) with clinical features of Joubert syndrome (Invitae). The frequency data for this variant in the population databases is considered unreliable, as metrics indicate poor data quality at this position in the gnomAD database.

Ocular Genomics Institute, Massachusetts Eye and Ear
Classification: Uncertain significance for Rod-cone dystrophy. Last evaluated: 2021-04-08. Review status: criteria provided, single submitter. Criteria: ACMG Guidelines, 2015. Collection method: research. Allele origin: germline. Affected: yes.
Comment: Through a review of available evidence we were able to apply the following criteria: PM2. Based on this evidence we have classified this variant as Variant of Uncertain Significance.

Literature cited by the submitters: PubMed 23386033 (cited by Labcorp Genetics (formerly Invitae), Labcorp); PubMed 26092869 (cited by Labcorp Genetics (formerly Invitae), Labcorp).

NM_019892.6(INPP5E):c.907G>T (p.Val303Leu)

Gene: INPP5E (inositol polyphosphate-5-phosphatase E; minus strand). Cytogenetic location: 9q34.3.
Variant type: single nucleotide variant.
Coding change: c.907G>T on transcript NM_019892.6 (MANE Select); coding-DNA position 907, G replaced by T.
Protein change: p.Val303Leu; replaces valine 303 with leucine.
Molecular consequence: missense variant.
Genome position (GRCh38, 1-based): chr9:136,434,769, C>A on the plus strand (G>T on the coding strand, the complement: INPP5E is on the minus strand). VCF-style: chr9-136434769-C-A. GRCh37 (hg19) VCF-style: chr9-139329221-C-A.
Other names: c.907G>T, p.Val303Leu (NM_001318502.2); short protein forms V303L.
Identifiers: ClinVar variation 1065767 (VCV001065767.7), dbSNP rs746212325, ClinGen allele CA5337039.